The following is an entry in ClinVar:

NM_019842.4(KCNQ5):c.2071A>C (p.Ile691Leu)

Gene: KCNQ5 (potassium voltage-gated channel subfamily Q member 5; plus strand). Cytogenetic location: 6q13.
Variant type: single nucleotide variant.
Coding change: c.2071A>C on transcript NM_019842.4 (MANE Select); coding-DNA position 2071, A replaced by C.
Protein change: p.Ile691Leu; replaces isoleucine 691 with leucine.
Molecular consequence: missense variant.
Genome position (GRCh38, 1-based): chr6:73,194,686, A>C. VCF-style: chr6-73194686-A-C. GRCh37 (hg19) VCF-style: chr6-73904409-A-C.
Other names: c.2044A>C, p.Ile682Leu (NM_001160130.2); c.2101A>C, p.Ile701Leu (NM_001160132.2); c.2128A>C, p.Ile710Leu (NM_001160133.2); c.1741A>C, p.Ile581Leu (NM_001160134.2); short protein forms I710L, I701L, I581L, I682L, I691L.
Identifiers: ClinVar variation 1407203 (VCV001407203.8), dbSNP rs2150527757, ClinGen allele CA364695178.

ClinVar aggregate classification (germline): Uncertain significance (1 of 4 stars; one submission).

gnomAD v4.1: 2 of 1,614,270 alleles (0.00012%); highest among the groups gnomAD compares: Non-Finnish European, 0.00017%; no homozygotes.

Submission:

Labcorp Genetics (formerly Invitae), Labcorp
Classification: Uncertain significance. Last evaluated: 2021-04-01. Review status: criteria provided, single submitter. Criteria: Invitae Variant Classification Sherloc (09022015). Collection method: clinical testing. Allele origin: germline.
Comment: In summary, the available evidence is currently insufficient to determine the role of this variant in disease. Therefore, it has been classified as a Variant of Uncertain Significance. Advanced modeling of protein sequence and biophysical properties (such as structural, functional, and spatial information, amino acid conservation, physicochemical variation, residue mobility, and thermodynamic stability) performed at Invitae indicates that this missense variant is not expected to disrupt KCNQ5 protein function. This variant has not been reported in the literature in individuals with KCNQ5-related conditions. This variant is not present in population databases (ExAC no frequency). This sequence change replaces isoleucine with leucine at codon 710 of the KCNQ5 protein (p.Ile710Leu). The isoleucine residue is moderately conserved and there is a small physicochemical difference between isoleucine and leucine.